The following is an entry in ClinVar:

NM_001130438.3(SPTAN1):c.2225G>A (p.Arg742His)

Gene: SPTAN1 (spectrin alpha, non-erythrocytic 1; plus strand). Cytogenetic location: 9q34.11.
Variant type: single nucleotide variant.
Coding change: c.2225G>A on transcript NM_001130438.3 (MANE Select); coding-DNA position 2225, G replaced by A.
Protein change: p.Arg742His; replaces arginine 742 with histidine.
Molecular consequence: missense variant.
Genome position (GRCh38, 1-based): chr9:128,584,313, G>A. VCF-style: chr9-128584313-G-A. GRCh37 (hg19) VCF-style: chr9-131346592-G-A.
Other names: c.2225G>A, p.Arg742His (NM_001195532.2, NM_001363759.2, NM_001363765.2 and 1 more transcripts); short protein forms R742H.
Identifiers: ClinVar variation 207266 (VCV000207266.15), dbSNP rs146412583, ClinGen allele CA318573.

ClinVar aggregate classification (germline): Uncertain significance. Review status: criteria provided, multiple submitters, no conflicts (2 of 4 stars). 3 submissions from 3 submitters: Uncertain significance (3). Last evaluated 2024-07-15.

Conditions:
Inborn genetic diseases. Identifiers: MedGen C0950123, MeSH D030342.
Early-infantile DEE. Also called: Ohtahara syndrome; Early infantile epileptic encephalopathy; Early infantile epileptic encephalopathy with suppression bursts. Identifiers: Orphanet 1934, MedGen C0393706, MONDO:0800491.
Developmental and epileptic encephalopathy, 5 (DEE5). Identifiers: Orphanet 3451, MedGen C3150731, MONDO:0013277, OMIM 613477.

Allele frequency attached by ClinVar (database versions not stated): gnomAD 0.00001; gnomAD exomes 0.00002; TOPMed 0.00002; ExAC 0.00003; ESP Exome Variant Server 0.00008.
gnomAD v4.1: 33 of 1,614,022 alleles (0.002%); highest among the groups gnomAD compares: African/African-American, 0.008%; 1 homozygote.

Submissions (3):

Labcorp Genetics (formerly Invitae), Labcorp
Classification: Uncertain significance for Early-infantile DEE. Last evaluated: 2024-07-15. Review status: criteria provided, single submitter. Criteria: Invitae Variant Classification Sherloc (09022015). Collection method: clinical testing. Allele origin: germline.
Comment: This sequence change replaces arginine, which is basic and polar, with histidine, which is basic and polar, at codon 742 of the SPTAN1 protein (p.Arg742His). This variant is present in population databases (rs146412583, gnomAD 0.005%). This variant has not been reported in the literature in individuals affected with SPTAN1-related conditions. ClinVar contains an entry for this variant (Variation ID: 207266). Advanced modeling of protein sequence and biophysical properties (such as structural, functional, and spatial information, amino acid conservation, physicochemical variation, residue mobility, and thermodynamic stability) has been performed at Invitae for this missense variant, however the output from this modeling did not meet the statistical confidence thresholds required to predict the impact of this variant on SPTAN1 protein function. In summary, the available evidence is currently insufficient to determine the role of this variant in disease. Therefore, it has been classified as a Variant of Uncertain Significance.

Genome-Nilou Lab
Classification: Uncertain significance for Developmental and epileptic encephalopathy, 5. Last evaluated: 2021-07-15. Review status: criteria provided, single submitter. Criteria: ACMG Guidelines, 2015. Collection method: clinical testing. Allele origin: germline. Affected: no.

Ambry Genetics
Classification: Uncertain significance for Inborn genetic diseases. Last evaluated: 2016-09-30. Review status: criteria provided, single submitter. Criteria: Ambry Variant Classification Scheme 2023. Collection method: clinical testing. Allele origin: germline.
Comment: The p.R742H variant (also known as c.2225G>A), located in coding exon 16 of the SPTAN1 gene, results from a G to A substitution at nucleotide position 2225. The arginine at codon 742 is replaced by histidine, an amino acid with highly similar properties. This variant was previously reported in the SNPDatabase as rs146412583. Based on data from the NHLBI Exome Sequencing Project (ESP), the A allele has an overall frequency of approximately 0.01% (1/13006) total alleles studied, having been observed in 0.02% (1/4406) African American alleles. This amino acid position is highly conserved in available vertebrate species. In addition, the in silico prediction for this alteration is inconclusive. Since supporting evidence is limited at this time, the clinical significance of this alteration remains unclear.